The following is an entry in ClinVar:

NM_016653.3(MAP3K20):c.1694C>T (p.Ser565Phe)

Genes: MAP3K20-AS1 (MAP3K20 antisense RNA 1; minus strand), MAP3K20 (mitogen-activated protein kinase kinase kinase 20; plus strand). Cytogenetic location: 2q31.1.
Variant type: single nucleotide variant.
Coding change: c.1694C>T on transcript NM_016653.3 (MANE Select); coding-DNA position 1694, C replaced by T.
Protein change: p.Ser565Phe; replaces serine 565 with phenylalanine.
Molecular consequence: missense variant.
Genome position (GRCh38, 1-based): chr2:173,263,887, C>T. VCF-style: chr2-173263887-C-T. GRCh37 (hg19) VCF-style: chr2-174128615-C-T.
Other names: short protein forms S565F.
Identifiers: ClinVar variation 1509420 (VCV001509420.6), dbSNP rs2106358972, ClinGen allele CA349316931.

ClinVar aggregate classification (germline): Uncertain significance (1 of 4 stars; one submission).

Submission:

Labcorp Genetics (formerly Invitae), Labcorp
Classification: Uncertain significance. Last evaluated: 2021-06-28. Review status: criteria provided, single submitter. Criteria: Invitae Variant Classification Sherloc (09022015). Collection method: clinical testing. Allele origin: germline.
Comment: In summary, the available evidence is currently insufficient to determine the role of this variant in disease. Therefore, it has been classified as a Variant of Uncertain Significance. Experimental studies and prediction algorithms are not available or were not evaluated, and the functional significance of this variant is currently unknown. This variant has not been reported in the literature in individuals with MAP3K20-related conditions. This variant is not present in population databases (ExAC no frequency). This sequence change replaces serine with phenylalanine at codon 565 of the MAP3K20 protein (p.Ser565Phe). The serine residue is highly conserved and there is a large physicochemical difference between serine and phenylalanine.